The following is an entry in ClinVar:

ClinVar aggregate classification (germline): Uncertain significance (1 of 4 stars; one submission).

Submission:

GeneDx
Classification: Uncertain significance. Last evaluated: 2024-06-27. Review status: criteria provided, single submitter. Criteria: GeneDx Variant Classification Process June 2021. Collection method: clinical testing. Allele origin: germline. Affected: yes.
Comment: Not observed at significant frequency in large population cohorts (gnomAD); In silico analysis supports that this missense variant has a deleterious effect on protein structure/function; Has not been previously published as pathogenic or benign to our knowledge

NM_001145026.2(PTPRQ):c.3648C>G (p.Ser1216Arg)

Gene: PTPRQ (protein tyrosine phosphatase receptor type Q; plus strand). Cytogenetic location: 12q21.31.
Variant type: single nucleotide variant.
Coding change: c.3648C>G on transcript NM_001145026.2 (MANE Select); coding-DNA position 3648, C replaced by G.
Protein change: p.Ser1216Arg; replaces serine 1216 with arginine.
Molecular consequence: missense variant.
Genome position (GRCh38, 1-based): chr12:80,542,291, C>G. VCF-style: chr12-80542291-C-G. GRCh37 (hg19) VCF-style: chr12-80936070-C-G.
Other names: short protein forms S1216R.
Identifiers: ClinVar variation 3392738 (VCV003392738.1).